The following is an entry in ClinVar:

ClinVar aggregate classification (germline): Uncertain significance (1 of 4 stars; one submission).

gnomAD v4.1: 6 of 1,548,824 alleles (0.00039%); highest among the groups gnomAD compares: East Asian, 0.0024%; no homozygotes.

Submission:

GeneDx
Classification: Uncertain significance. Last evaluated: 2026-04-09. Review status: criteria provided, single submitter. Criteria: GeneDx Variant Classification Process June 2021. Collection method: clinical testing. Allele origin: germline.
Comment: Not observed at significant frequency in large population cohorts (gnomAD); In silico analysis suggests that this missense variant does not alter protein structure/function; Has not been previously published as pathogenic or benign to our knowledge

NM_005481.3(MED16):c.2341C>T (p.His781Tyr)

Gene: MED16 (mediator complex subunit 16; minus strand). Cytogenetic location: 19p13.3.
Variant type: single nucleotide variant.
Coding change: c.2341C>T on transcript NM_005481.3 (MANE Select); coding-DNA position 2341, C replaced by T.
Protein change: p.His781Tyr; replaces histidine 781 with tyrosine.
Molecular consequence: missense variant.
Genome position (GRCh38, 1-based): chr19:868,921, G>A on the plus strand (C>T on the coding strand, the complement: MED16 is on the minus strand). VCF-style: chr19-868921-G-A. GRCh37 (hg19) VCF-style: chr19-868921-G-A.
Other names: short protein forms H781Y.
Identifiers: ClinVar variation 5018207 (VCV005018207.1).